The following is an entry in ClinVar:

ClinVar aggregate classification (germline): Uncertain significance. Review status: criteria provided, multiple submitters, no conflicts (2 of 4 stars). 2 submissions from 2 submitters: Uncertain significance (2). Last evaluated 2025-04-03.

Conditions:
Inborn genetic diseases. Identifiers: MedGen C0950123, MeSH D030342.

Allele frequency attached by ClinVar (database versions not stated): gnomAD exomes below 0.00001.
gnomAD v4.1: 5 of 1,614,076 alleles (0.00031%); highest among the groups gnomAD compares: Admixed American, 0.0033%; no homozygotes.

Submissions (2):

Ambry Genetics
Classification: Uncertain significance for Inborn genetic diseases. Last evaluated: 2025-04-03. Review status: criteria provided, single submitter. Criteria: Ambry Variant Classification Scheme 2023. Collection method: clinical testing. Allele origin: germline.

Labcorp Genetics (formerly Invitae), Labcorp
Classification: Uncertain significance. Last evaluated: 2021-12-19. Review status: criteria provided, single submitter. Criteria: Invitae Variant Classification Sherloc (09022015). Collection method: clinical testing. Allele origin: germline.
Comment: This sequence change replaces tyrosine, which is neutral and polar, with histidine, which is basic and polar, at codon 3084 of the FAT4 protein (p.Tyr3084His). This variant is present in population databases (no rsID available, gnomAD 0.003%). This variant has not been reported in the literature in individuals affected with FAT4-related conditions. Advanced modeling of protein sequence and biophysical properties (such as structural, functional, and spatial information, amino acid conservation, physicochemical variation, residue mobility, and thermodynamic stability) performed at Invitae indicates that this missense variant is not expected to disrupt FAT4 protein function. In summary, the available evidence is currently insufficient to determine the role of this variant in disease. Therefore, it has been classified as a Variant of Uncertain Significance.

NM_001291303.3(FAT4):c.9256T>C (p.Tyr3086His)

Gene: FAT4 (FAT atypical cadherin 4; plus strand). Cytogenetic location: 4q28.1.
Variant type: single nucleotide variant.
Coding change: c.9256T>C on transcript NM_001291303.3 (MANE Select); coding-DNA position 9256, T replaced by C.
Protein change: p.Tyr3086His; replaces tyrosine 3086 with histidine.
Molecular consequence: missense variant.
Genome position (GRCh38, 1-based): chr4:125,450,266, T>C. VCF-style: chr4-125450266-T-C. GRCh37 (hg19) VCF-style: chr4-126371421-T-C.
Other names: c.9256T>C, p.Tyr3086His (NM_001291285.3); c.9250T>C, p.Tyr3084His (NM_024582.6); c.9250T>C (NM_024582.4); short protein forms Y3086H, Y3084H.
Identifiers: ClinVar variation 2072978 (VCV002072978.2), dbSNP rs1161544615, ClinGen allele CA358151081.